The following is an entry in ClinVar:

ClinVar aggregate classification (germline): Uncertain significance. Review status: criteria provided, multiple submitters, no conflicts (2 of 4 stars). 2 submissions from 2 submitters: Uncertain significance (2). Last evaluated 2025-02-16.

Conditions:
Hereditary cancer-predisposing syndrome. Also called: Neoplastic Syndromes, Hereditary; Tumor predisposition; Hereditary neoplastic syndrome; Hereditary Cancer Syndrome. Identifiers: Orphanet 140162, MedGen C0027672, MeSH D009386, MONDO:0015356.
Familial meningioma. Also called: Meningioma, familial, susceptibility to. Identifiers: Orphanet 263662, MedGen C3551915, MONDO:0011789, OMIM 607174.

Submissions (2):

Ambry Genetics
Classification: Uncertain significance for Hereditary cancer-predisposing syndrome. Last evaluated: 2025-02-16. Review status: criteria provided, single submitter. Criteria: Ambry Variant Classification Scheme 2023. Collection method: clinical testing. Allele origin: germline.
Comment: The p.T345R variant (also known as c.1034C>G), located in coding exon 10 of the SMARCE1 gene, results from a C to G substitution at nucleotide position 1034. The threonine at codon 345 is replaced by arginine, an amino acid with similar properties. This amino acid position is conserved. In addition, this alteration is predicted to be tolerated by in silico analysis. Based on the available evidence, the clinical significance of this variant remains unclear.

Labcorp Genetics (formerly Invitae), Labcorp
Classification: Uncertain significance for Familial meningioma. Last evaluated: 2023-09-29. Review status: criteria provided, single submitter. Criteria: Invitae Variant Classification Sherloc (09022015). Collection method: clinical testing. Allele origin: germline.
Comment: This variant is not present in population databases (gnomAD no frequency). This sequence change replaces threonine, which is neutral and polar, with arginine, which is basic and polar, at codon 345 of the SMARCE1 protein (p.Thr345Arg). This variant has not been reported in the literature in individuals affected with SMARCE1-related conditions. In summary, the available evidence is currently insufficient to determine the role of this variant in disease. Therefore, it has been classified as a Variant of Uncertain Significance. Advanced modeling of protein sequence and biophysical properties (such as structural, functional, and spatial information, amino acid conservation, physicochemical variation, residue mobility, and thermodynamic stability) performed at Invitae indicates that this missense variant is not expected to disrupt SMARCE1 protein function. ClinVar contains an entry for this variant (Variation ID: 662138).

NM_003079.5(SMARCE1):c.1034C>G (p.Thr345Arg)

Gene: SMARCE1 (SWI/SNF related BAF chromatin remodeling complex subunit E1; minus strand). Cytogenetic location: 17q21.2.
Variant type: single nucleotide variant.
Coding change: c.1034C>G on transcript NM_003079.5 (MANE Select); coding-DNA position 1034, C replaced by G.
Protein change: p.Thr345Arg; replaces threonine 345 with arginine.
Molecular consequence: missense variant.
Genome position (GRCh38, 1-based): chr17:40,628,987, G>C on the plus strand (C>G on the coding strand, the complement: SMARCE1 is on the minus strand). VCF-style: chr17-40628987-G-C. GRCh37 (hg19) VCF-style: chr17-38785239-G-C.
Other names: short protein forms T345R.
Identifiers: ClinVar variation 662138 (VCV000662138.9), dbSNP rs1597741310, ClinGen allele CA399361832.